The following is an entry in ClinVar:

NM_002291.3(LAMB1):c.4916A>C (p.Glu1639Ala)

Gene: LAMB1 (laminin subunit beta 1; minus strand). Cytogenetic location: 7q31.1.
Variant type: single nucleotide variant.
Coding change: c.4916A>C on transcript NM_002291.3 (MANE Select); coding-DNA position 4916, A replaced by C.
Protein change: p.Glu1639Ala; replaces glutamic acid 1639 with alanine.
Molecular consequence: missense variant.
Genome position (GRCh38, 1-based): chr7:107,926,331, T>G on the plus strand (A>C on the coding strand, the complement: LAMB1 is on the minus strand). VCF-style: chr7-107926331-T-G. GRCh37 (hg19) VCF-style: chr7-107566776-T-G.
Other names: short protein forms E1639A.
Identifiers: ClinVar variation 1364693 (VCV001364693.8), dbSNP rs2116309233, ClinGen allele CA368861145.

ClinVar aggregate classification (germline): Uncertain significance (1 of 4 stars; one submission).

Submission:

Labcorp Genetics (formerly Invitae), Labcorp
Classification: Uncertain significance. Last evaluated: 2021-12-03. Review status: criteria provided, single submitter. Criteria: Invitae Variant Classification Sherloc (09022015). Collection method: clinical testing. Allele origin: germline.
Comment: This sequence change replaces glutamic acid, which is acidic and polar, with alanine, which is neutral and non-polar, at codon 1639 of the LAMB1 protein (p.Glu1639Ala). This variant is not present in population databases (gnomAD no frequency). This variant has not been reported in the literature in individuals affected with LAMB1-related conditions. Algorithms developed to predict the effect of missense changes on protein structure and function are either unavailable or do not agree on the potential impact of this missense change (SIFT: "Deleterious"; PolyPhen-2: "Benign"; Align-GVGD: "Class C65"). In summary, the available evidence is currently insufficient to determine the role of this variant in disease. Therefore, it has been classified as a Variant of Uncertain Significance.